The following is an entry in ClinVar:

NM_001401501.2(MUC16):c.36877C>A (p.Pro12293Thr)

Gene: MUC16 (mucin 16, cell surface associated; minus strand). Cytogenetic location: 19p13.2.
Variant type: single nucleotide variant.
Coding change: c.36877C>A on transcript NM_001401501.2 (MANE Select); coding-DNA position 36877, C replaced by A.
Protein change: p.Pro12293Thr; replaces proline 12293 with threonine.
Molecular consequence: missense variant.
Genome position (GRCh38, 1-based): chr19:8,915,619, G>T on the plus strand (C>A on the coding strand, the complement: MUC16 is on the minus strand). VCF-style: chr19-8915619-G-T. GRCh37 (hg19) VCF-style: chr19-9026295-G-T.
Other names: c.37303C>A, p.Pro12435Thr (NM_001414686.1); c.36757C>A, p.Pro12253Thr (NM_001414687.1); c.36691C>A, p.Pro12231Thr (NM_024690.2); short protein forms P12231T, P12253T, P12293T, P12435T.
Identifiers: ClinVar variation 3042375 (VCV003042375.2), dbSNP rs532237530, ClinGen allele CA9165617.

ClinVar aggregate classification (germline): Benign (0 of 4 stars; one submission).

Conditions:
MUC16-related disorder. Also called: MUC16-related condition.

Allele frequency attached by ClinVar (database versions not stated): TOPMed 0.00008; gnomAD 0.00072; 1000 Genomes Project 30x 0.00312; 1000 Genomes Project 0.00399.

Submission:

PreventionGenetics, part of Exact Sciences
Classification: Benign for MUC16-related condition. Last evaluated: 2019-04-25. Review status: no assertion criteria provided. Collection method: clinical testing. Allele origin: germline.
Comment: This variant is classified as benign based on ACMG/AMP sequence variant interpretation guidelines (Richards et al. 2015 PMID: 25741868, with internal and published modifications).